The following is an entry in ClinVar:

ClinVar aggregate classification (germline): Uncertain significance. Review status: criteria provided, multiple submitters, no conflicts (2 of 4 stars). 2 submissions from 2 submitters: Uncertain significance (2). Last evaluated 2024-02-24.

Conditions:
Inborn genetic diseases. Identifiers: MedGen C0950123, MeSH D030342.
Combined deficiency of sialidase AND beta galactosidase (GSL). Also called: GOLDBERG SYNDROME; NEURAMINIDASE DEFICIENCY WITH BETA-GALACTOSIDASE DEFICIENCY; NEURAMINIDASE/BETA-GALACTOSIDASE EXPRESSION; PPCA DEFICIENCY; PROTECTIVE PROTEIN/CATHEPSIN A DEFICIENCY; Galactosialidosis. Identifiers: Orphanet 351, MedGen C0268233, MONDO:0009737, OMIM 256540.

Submissions (2):

Labcorp Genetics (formerly Invitae), Labcorp
Classification: Uncertain significance for Combined deficiency of sialidase AND beta galactosidase. Last evaluated: 2024-02-24. Review status: criteria provided, single submitter. Criteria: Invitae Variant Classification Sherloc (09022015). Collection method: clinical testing. Allele origin: germline.
Comment: This sequence change replaces proline, which is neutral and non-polar, with leucine, which is neutral and non-polar, at codon 5 of the CTSA protein (p.Pro5Leu). This variant is not present in population databases (gnomAD no frequency). This variant has not been reported in the literature in individuals affected with CTSA-related conditions. ClinVar contains an entry for this variant (Variation ID: 1399016). Algorithms developed to predict the effect of missense changes on protein structure and function output the following: SIFT: "Not Available"; PolyPhen-2: "Benign"; Align-GVGD: "Not Available". The leucine amino acid residue is found in multiple mammalian species, which suggests that this missense change does not adversely affect protein function. In summary, the available evidence is currently insufficient to determine the role of this variant in disease. Therefore, it has been classified as a Variant of Uncertain Significance.

Ambry Genetics
Classification: Uncertain significance for Inborn genetic diseases. Last evaluated: 2023-06-06. Review status: criteria provided, single submitter. Criteria: Ambry Variant Classification Scheme 2023. Collection method: clinical testing. Allele origin: germline.

NM_000308.4(CTSA):c.-41C>T

Gene: CTSA (cathepsin A; plus strand). Cytogenetic location: 20q13.12.
Variant type: single nucleotide variant.
Coding change: c.-41C>T on transcript NM_000308.4 (MANE Select); 41 bases upstream of the start codon, C replaced by T.
Molecular consequence: 5 prime UTR variant. On other transcripts: non-coding transcript variant (1).
Genome position (GRCh38, 1-based): chr20:45,891,339, C>T. VCF-style: chr20-45891339-C-T. GRCh37 (hg19) VCF-style: chr20-44519978-C-T.
Other names: c.-87C>T (NM_001127695.3); c.-41C>T (NM_001167594.3); c.14C>T (NM_000308.2).
Identifiers: ClinVar variation 1399016 (VCV001399016.8), dbSNP rs750301506, ClinGen allele CA9882870.
Genomic context (GRCh38, chr20:45,891,339, plus strand): 5'-GGGAGGAAGACTGTCACGTGGCGCCGGAGTTCACGTGACTCGTACACATGACTTCCAGTC[C>T]CCGGGCGCCTCCTGGAGAGCAAGGACGCGGGGGAGCAGAGGTGAGCTGGCACCGGAGGCT-3'